The following is an entry in ClinVar:

NM_003239.5(TGFB3):c.706G>A (p.Gly236Arg)

Gene: TGFB3 (transforming growth factor beta 3; minus strand). Cytogenetic location: 14q24.3.
Variant type: single nucleotide variant.
Coding change: c.706G>A on transcript NM_003239.5 (MANE Select); coding-DNA position 706, G replaced by A.
Protein change: p.Gly236Arg; replaces glycine 236 with arginine.
Molecular consequence: missense variant.
Genome position (GRCh38, 1-based): chr14:75,965,636, C>T on the plus strand (G>A on the coding strand, the complement: TGFB3 is on the minus strand). VCF-style: chr14-75965636-C-T. GRCh37 (hg19) VCF-style: chr14-76431979-C-T.
Other names: c.706G>A, p.Gly236Arg (NM_001329938.2, NM_001329939.2); short protein forms G236R.
Identifiers: ClinVar variation 1002958 (VCV001002958.9), dbSNP rs2035212440, ClinGen allele CA390468908.

ClinVar aggregate classification (germline): Uncertain significance (1 of 4 stars; one submission).

Conditions:
Rienhoff syndrome. Also called: LOEYS-DIETZ SYNDROME 5. Identifiers: MedGen C3810012, MONDO:0014262, OMIM 615582.

Submission:

Labcorp Genetics (formerly Invitae), Labcorp
Classification: Uncertain significance for Rienhoff syndrome. Last evaluated: 2020-09-26. Review status: criteria provided, single submitter. Criteria: Invitae Variant Classification Sherloc (09022015). Collection method: clinical testing. Allele origin: germline.
Comment: This sequence change replaces glycine with arginine at codon 236 of the TGFB3 protein (p.Gly236Arg). The glycine residue is highly conserved and there is a moderate physicochemical difference between glycine and arginine. This variant is not present in population databases (ExAC no frequency). This variant has not been reported in the literature in individuals with TGFB3-related conditions. Algorithms developed to predict the effect of missense changes on protein structure and function are either unavailable or do not agree on the potential impact of this missense change (SIFT: "Deleterious"; PolyPhen-2: "Probably Damaging"; Align-GVGD: "Class C0"). In summary, the available evidence is currently insufficient to determine the role of this variant in disease. Therefore, it has been classified as a Variant of Uncertain Significance.